The following is an entry in ClinVar:

NM_005159.5(ACTC1):c.991A>T (p.Ile331Phe)

Genes: GJD2-DT (GJD2 divergent transcript; plus strand), ACTC1 (actin alpha cardiac muscle 1; minus strand). Cytogenetic location: 15q14.
Variant type: single nucleotide variant.
Coding change: c.991A>T on transcript NM_005159.5 (MANE Select); coding-DNA position 991, A replaced by T.
Protein change: p.Ile331Phe; replaces isoleucine 331 with phenylalanine.
Molecular consequence: missense variant.
Genome position (GRCh38, 1-based): chr15:34,790,555, T>A on the plus strand (A>T on the coding strand, the complement: ACTC1 is on the minus strand). VCF-style: chr15-34790555-T-A. GRCh37 (hg19) VCF-style: chr15-35082756-T-A.
Other names: short protein forms I331F.
Identifiers: ClinVar variation 2486898 (VCV002486898.4), dbSNP rs730880405, ClinGen allele CA020022.

ClinVar aggregate classification (germline): Uncertain significance. Review status: criteria provided, multiple submitters, no conflicts (2 of 4 stars). 2 submissions from 2 submitters: Uncertain significance (2). Last evaluated 2025-07-18.

Conditions:
Hypertrophic cardiomyopathy 11. Also called: ACTC1-Related Familial Hypertrophic Cardiomyopathy. Identifiers: MedGen C2677506, MONDO:0012799, OMIM 612098.
Dilated cardiomyopathy 1R (CMD1R). Identifiers: Orphanet 154, Orphanet 54260, MedGen C3150681, MONDO:0013261, OMIM 613424.
Atrial septal defect 5 (ASD5). Identifiers: Orphanet 1478, MedGen C2748552, MONDO:0013011, OMIM 612794.
Cardiovascular phenotype. Identifiers: MedGen CN230736.

Submissions (2):

Labcorp Genetics (formerly Invitae), Labcorp
Classification: Uncertain significance for Dilated cardiomyopathy 1R; Hypertrophic cardiomyopathy 11; Atrial septal defect 5. Last evaluated: 2025-07-18. Review status: criteria provided, single submitter. Criteria: Invitae Variant Classification Sherloc (09022015). Collection method: clinical testing. Allele origin: germline.
Comment: This sequence change replaces isoleucine, which is neutral and non-polar, with phenylalanine, which is neutral and non-polar, at codon 331 of the ACTC1 protein (p.Ile331Phe). This variant is not present in population databases (gnomAD no frequency). This variant has not been reported in the literature in individuals affected with ACTC1-related conditions. ClinVar contains an entry for this variant (Variation ID: 2486898). An algorithm developed to predict the effect of missense changes on protein structure and function (PolyPhen-2) suggests that this variant is likely to be disruptive. In summary, the available evidence is currently insufficient to determine the role of this variant in disease. Therefore, it has been classified as a Variant of Uncertain Significance.

Ambry Genetics
Classification: Uncertain significance for Cardiovascular phenotype. Last evaluated: 2023-01-16. Review status: criteria provided, single submitter. Criteria: Ambry Variant Classification Scheme 2023. Collection method: clinical testing. Allele origin: germline.
Comment: The p.I331F variant (also known as c.991A>T) is located in coding exon 6 of the ACTC1 gene. The isoleucine at codon 331 is replaced by phenylalanine, an amino acid with highly similar properties. This change occurs in the first base pair of coding exon 6. This amino acid position is conserved. In addition, this alteration is predicted to be deleterious by in silico analysis. Since supporting evidence is limited at this time, the clinical significance of this alteration remains unclear.